The following is an entry in ClinVar:

ClinVar aggregate classification (germline): Pathogenic/Likely pathogenic. Review status: criteria provided, multiple submitters, no conflicts (2 of 4 stars). 3 submissions from 3 submitters: Pathogenic (2); Likely pathogenic (1). Last evaluated 2022-01-28.

Conditions:
Ehlers-Danlos syndrome, classic type, 1 (EDSCL1). Also called: Ehlers-Danlos Syndrome, Classic Type, COL5A1-Related; EDS I; Ehlers-Danlos syndrome, type 1; EHLERS-DANLOS SYNDROME, GRAVIS TYPE; EHLERS-DANLOS SYNDROME, SEVERE CLASSIC TYPE. Identifiers: MedGen C0268335, MONDO:0019567, OMIM 130000.
Osteogenesis imperfecta type I (OI1). Also called: Lobstein disease; Classic Non-deforming Osteogenesis Imperfecta with Blue Sclerae; OI, TYPE I; OSTEOGENESIS IMPERFECTA TARDA; OSTEOGENESIS IMPERFECTA WITH BLUE SCLERAE; Osteogenesis imperfecta type 1. Identifiers: Orphanet 216796, Orphanet 666, MedGen C0023931, MONDO:0008146, OMIM 166200. Disease mechanism: loss of function.
Osteogenesis imperfecta (OI). Identifiers: Orphanet 666, MedGen C0029434, MeSH D010013, MONDO:0019019.

Submissions (3):

Labcorp Genetics (formerly Invitae), Labcorp
Classification: Pathogenic for Osteogenesis imperfecta type I; Ehlers-Danlos syndrome, classic type, 1. Last evaluated: 2022-01-28. Review status: criteria provided, single submitter. Criteria: Invitae Variant Classification Sherloc (09022015). Collection method: clinical testing. Allele origin: germline.
Comment: This sequence change replaces glycine, which is neutral and non-polar, with aspartic acid, which is acidic and polar, at codon 664 of the COL1A2 protein (p.Gly664Asp). This variant is not present in population databases (gnomAD no frequency). This missense change has been observed in individual(s) with osteogenesis imperfecta (PMID: 11317364). This variant is also known as G574D. ClinVar contains an entry for this variant (Variation ID: 35939). Advanced modeling of protein sequence and biophysical properties (such as structural, functional, and spatial information, amino acid conservation, physicochemical variation, residue mobility, and thermodynamic stability) performed at Invitae indicates that this missense variant is expected to disrupt COL1A2 protein function. This variant disrupts the triple helix domain of COL1A2. Glycine residues within the Gly-Xaa-Yaa repeats of the triple helix domain are required for the structure and stability of fibrillar collagens (PMID: 7695699, 8218237, 19344236). In COL1A2, variants affecting these glycine residues are significantly enriched in individuals with disease (PMID: 9016532, 17078022) compared to the general population (ExAC). For these reasons, this variant has been classified as Pathogenic.

Revvity Omics, Revvity
Classification: Pathogenic. Last evaluated: 2020-11-24. Review status: criteria provided, single submitter. Criteria: ACMG Guidelines, 2015. Collection method: clinical testing. Allele origin: germline.

Women's Health and Genetics/Laboratory Corporation of America, LabCorp
Classification: Likely pathogenic for Osteogenesis Imperfecta. Last evaluated: 2011-08-18. Review status: criteria provided, single submitter. Criteria: LabCorp Variant Classification Summary - May 2015. Collection method: curation, clinical testing. Allele origin: germline. Inheritance: autosomal dominant. Affected: yes. Observed: 1 variant allele.
ClinVar note: Converted during submission from likely pathogenic to Likely pathogenic.

Literature cited by the submitters: PubMed 11317364 (cited by Labcorp Genetics (formerly Invitae), Labcorp and Women's Health and Genetics/Laboratory Corporation of America, LabCorp); PubMed 7695699 (cited by Labcorp Genetics (formerly Invitae), Labcorp); PubMed 8218237 (cited by Labcorp Genetics (formerly Invitae), Labcorp); PubMed 19344236 (cited by Labcorp Genetics (formerly Invitae), Labcorp); PubMed 9016532 (cited by Labcorp Genetics (formerly Invitae), Labcorp); PubMed 17078022 (cited by Labcorp Genetics (formerly Invitae), Labcorp).

NM_000089.4(COL1A2):c.1991G>A (p.Gly664Asp)

Gene: COL1A2 (collagen type I alpha 2 chain; plus strand). Cytogenetic location: 7q21.3.
Variant type: single nucleotide variant.
Coding change: c.1991G>A on transcript NM_000089.4 (MANE Select); coding-DNA position 1991, G replaced by A.
Protein change: p.Gly664Asp; replaces glycine 664 with aspartic acid.
Molecular consequence: missense variant.
Genome position (GRCh38, 1-based): chr7:94,418,518, G>A. VCF-style: chr7-94418518-G-A. GRCh37 (hg19) VCF-style: chr7-94047830-G-A.
Other names: short protein forms G664D.
Identifiers: ClinVar variation 35939 (VCV000035939.12), dbSNP rs72658154, ClinGen allele CA260348.